The following is an entry in ClinVar:

ClinVar aggregate classification (germline): Pathogenic (0 of 4 stars; one submission).

Conditions:
Hematologic neoplasm. Also called: Hematological neoplasm; Hematologic cancer. Identifiers: MedGen C0376545, MeSH D019337, HP:0004377.

Submission:

Mayo Clinic Genomics Laboratory, Mayo Clinic
Classification: Pathogenic for Hematologic neoplasm. Last evaluated: 2018-08-01. Review status: no assertion criteria provided. Collection method: clinical testing. Allele origin: somatic. Inheritance: Somatic mutation. Affected: yes.
Comment: Results in a IGH/BCL2 rearrangement, previously described in several B-cell lymphomas

Literature cited by the submitters: PubMed 20118770; PubMed 22002575.

t(14;18)(q32.33;q21.33)

Variant type: Translocation.
Identifiers: ClinVar variation 627428 (VCV000627428.1).